The following is an entry in ClinVar:

NM_001394998.1(TANC2):c.5755A>G (p.Ser1919Gly)

Gene: TANC2 (tetratricopeptide repeat, ankyrin repeat and coiled-coil containing 2; plus strand). Cytogenetic location: 17q23.3.
Variant type: single nucleotide variant.
Coding change: c.5755A>G on transcript NM_001394998.1 (MANE Select); coding-DNA position 5755, A replaced by G.
Protein change: p.Ser1919Gly; replaces serine 1919 with glycine.
Molecular consequence: missense variant.
Genome position (GRCh38, 1-based): chr17:63,421,485, A>G. VCF-style: chr17-63421485-A-G. GRCh37 (hg19) VCF-style: chr17-61498846-A-G.
Other names: c.5503A>G, p.Ser1835Gly (NM_025185.4); short protein forms S1835G, S1919G.
Identifiers: ClinVar variation 985104 (VCV000985104.5), dbSNP rs2049023148, ClinGen allele CA400547345.

ClinVar aggregate classification (germline): Uncertain significance (1 of 4 stars; one submission).

Conditions:
Inborn genetic diseases. Identifiers: MedGen C0950123, MeSH D030342.

Allele frequency attached by ClinVar (database versions not stated): gnomAD exomes below 0.00001.
gnomAD v4.1: 2 of 1,614,010 alleles (0.00012%); highest among the groups gnomAD compares: African/African-American, 0.0013%; no homozygotes.

Submission:

Ambry Genetics
Classification: Uncertain significance for Inborn genetic diseases. Last evaluated: 2020-07-14. Review status: criteria provided, single submitter. Criteria: Ambry Variant Classification Scheme 2023. Collection method: clinical testing. Allele origin: germline.
Comment: The alteration results in an amino acid change:_x000D_ _x000D_ The c.5503A>G (p.S1835G) alteration is located in exon 25 (coding exon 25) of the TANC2 gene. This alteration results from an A to G substitution at nucleotide position 5503, causing the serine (S) at amino acid position 1835 to be replaced by a glycine (G). The alteration is not observed in population databases:_x000D_ _x000D_ Based on data from the Genome Aggregation Database (gnomAD), the TANC2 c.5503A>G alteration was not observed, with coverage at this position. The altered amino acid is not conserved throughout evolution:_x000D_ _x000D_ The p.S1835 amino acid is not conserved in available vertebrate species. The alteration is predicted tolerated by in silico modeling:_x000D_ _x000D_ The p.S1835G alteration is predicted to be tolerated by in silico analysis. Based on insufficient or conflicting evidence, the clinical significance of this alteration remains unclear.